The following is an entry in ClinVar:

ClinVar aggregate classification (germline): Uncertain significance. Review status: criteria provided, multiple submitters, no conflicts (2 of 4 stars). 2 submissions from 2 submitters: Uncertain significance (2). Last evaluated 2025-02-25.

Conditions:
Inborn genetic diseases. Identifiers: MedGen C0950123, MeSH D030342.

Allele frequency attached by ClinVar (database versions not stated): ExAC 0.00001; gnomAD 0.00001; gnomAD exomes 0.00001; TOPMed 0.00005; 1000 Genomes Project 0.00020; 1000 Genomes Project 30x 0.00031.

Submissions (2):

Ambry Genetics
Classification: Uncertain significance for Inborn genetic diseases. Last evaluated: 2025-02-25. Review status: criteria provided, single submitter. Criteria: Ambry Variant Classification Scheme 2023. Collection method: clinical testing. Allele origin: germline.

Labcorp Genetics (formerly Invitae), Labcorp
Classification: Uncertain significance. Last evaluated: 2022-05-17. Review status: criteria provided, single submitter. Criteria: Invitae Variant Classification Sherloc (09022015). Collection method: clinical testing. Allele origin: germline.
Comment: In summary, the available evidence is currently insufficient to determine the role of this variant in disease. Therefore, it has been classified as a Variant of Uncertain Significance. Algorithms developed to predict the effect of missense changes on protein structure and function output the following: SIFT: "Deleterious"; PolyPhen-2: "Benign"; Align-GVGD: "Class C65". The tyrosine amino acid residue is found in multiple mammalian species, which suggests that this missense change does not adversely affect protein function. This variant has not been reported in the literature in individuals affected with AMHR2-related conditions. This variant is present in population databases (rs199544354, gnomAD 0.004%). This sequence change replaces cysteine, which is neutral and slightly polar, with tyrosine, which is neutral and polar, at codon 551 of the AMHR2 protein (p.Cys551Tyr).

NM_020547.3(AMHR2):c.1652G>A (p.Cys551Tyr)

Gene: AMHR2 (anti-Mullerian hormone receptor type 2; plus strand). Cytogenetic location: 12q13.13.
Variant type: single nucleotide variant.
Coding change: c.1652G>A on transcript NM_020547.3 (MANE Select); coding-DNA position 1652, G replaced by A.
Protein change: p.Cys551Tyr; replaces cysteine 551 with tyrosine.
Molecular consequence: missense variant. On other transcripts: 3 prime UTR variant (1).
Genome position (GRCh38, 1-based): chr12:53,431,403, G>A. VCF-style: chr12-53431403-G-A. GRCh37 (hg19) VCF-style: chr12-53825187-G-A.
Other names: c.1652G>A (NM_020547.2); c.*211G>A (NM_001164690.2); c.1367G>A, p.Cys456Tyr (NM_001164691.2); short protein forms C456Y, C551Y.
Identifiers: ClinVar variation 1985854 (VCV001985854.5), dbSNP rs199544354, ClinGen allele CA6600666.